The following is an entry in ClinVar:

ClinVar aggregate classification (germline): Uncertain significance (1 of 4 stars; one submission).

Submission:

Labcorp Genetics (formerly Invitae), Labcorp
Classification: Uncertain significance. Last evaluated: 2024-05-26. Review status: criteria provided, single submitter. Criteria: Invitae Variant Classification Sherloc (09022015). Collection method: clinical testing. Allele origin: germline.
Comment: This sequence change replaces serine, which is neutral and polar, with arginine, which is basic and polar, at codon 374 of the TNNI3K protein (p.Ser374Arg). This variant is not present in population databases (gnomAD no frequency). This variant has not been reported in the literature in individuals affected with TNNI3K-related conditions. Advanced modeling of protein sequence and biophysical properties (such as structural, functional, and spatial information, amino acid conservation, physicochemical variation, residue mobility, and thermodynamic stability) performed at Invitae indicates that this missense variant is not expected to disrupt TNNI3K protein function with a negative predictive value of 80%. In summary, the available evidence is currently insufficient to determine the role of this variant in disease. Therefore, it has been classified as a Variant of Uncertain Significance.

NM_015978.3(TNNI3K):c.1122C>G (p.Ser374Arg)

Genes: FPGT-TNNI3K (FPGT-TNNI3K readthrough; plus strand), TNNI3K (TNNI3 interacting kinase; plus strand). Cytogenetic location: 1p31.1.
Variant type: single nucleotide variant.
Coding change: c.1122C>G on transcript NM_015978.3 (MANE Select); coding-DNA position 1122, C replaced by G.
Protein change: p.Ser374Arg; replaces serine 374 with arginine.
Molecular consequence: missense variant.
Genome position (GRCh38, 1-based): chr1:74,354,074, C>G. VCF-style: chr1-74354074-C-G. GRCh37 (hg19) VCF-style: chr1-74819758-C-G.
Other names: c.1425C>G, p.Ser475Arg (NM_001112808.3, NM_001199327.2); short protein forms S374R, S475R.
Identifiers: ClinVar variation 3654645 (VCV003654645.2).